The following is an entry in ClinVar:

ClinVar aggregate classification (germline): Uncertain significance (1 of 4 stars; one submission).

Allele frequency attached by ClinVar (database versions not stated): TOPMed below 0.00001.
gnomAD v4.1: 2 of 1,602,164 alleles (0.00012%); highest among the groups gnomAD compares: Non-Finnish European, 0.00017%; no homozygotes.

Submission:

Labcorp Genetics (formerly Invitae), Labcorp
Classification: Uncertain significance. Last evaluated: 2020-12-20. Review status: criteria provided, single submitter. Criteria: Invitae Variant Classification Sherloc (09022015). Collection method: clinical testing. Allele origin: germline.
Comment: This variant is not present in population databases (ExAC no frequency). In summary, the available evidence is currently insufficient to determine the role of this variant in disease. Therefore, it has been classified as a Variant of Uncertain Significance. Algorithms developed to predict the effect of missense changes on protein structure and function are either unavailable or do not agree on the potential impact of this missense change (SIFT: "Deleterious"; PolyPhen-2: "Benign"; Align-GVGD: "Class C0"). This variant has not been reported in the literature in individuals with PAX1-related conditions. This sequence change replaces phenylalanine with tyrosine at codon 520 of the PAX1 protein (p.Phe520Tyr). The phenylalanine residue is weakly conserved and there is a small physicochemical difference between phenylalanine and tyrosine.

NM_001257096.2(PAX1):c.*195T>A

Gene: PAX1 (paired box 1; plus strand). Cytogenetic location: 20p11.22.
Variant type: single nucleotide variant.
Coding change: c.*195T>A on transcript NM_001257096.2 (MANE Select); 195 bases downstream of the stop codon, T replaced by A.
Molecular consequence: 3 prime UTR variant. On other transcripts: missense variant (1).
Genome position (GRCh38, 1-based): chr20:21,714,757, T>A. VCF-style: chr20-21714757-T-A. GRCh37 (hg19) VCF-style: chr20-21695395-T-A.
Other names: c.1559T>A, p.Phe520Tyr (NM_006192.5); short protein forms F520Y.
Identifiers: ClinVar variation 1476764 (VCV001476764.8), dbSNP rs1433457845, ClinGen allele CA408500352.
Genomic context (GRCh38, chr20:21,714,757, plus strand): 5'-GGGGTGCACGCCCAGCCAGCCCCCAGGCCCAGCCCTGCCTCTGGCCGGACCCACCACACT[T>A]CCTTTATTGGTCTGGGTTTTTAGGCTTCTCTGAACTTGGGTTTTAGACTGCCGTACCCTC-3'